The following is an entry in ClinVar:

ClinVar aggregate classification (germline): Conflicting classifications of pathogenicity. Review status: criteria provided, conflicting classifications (1 of 4 stars). 6 submissions from 6 submitters: Uncertain significance (2); Likely benign (2). 2 of the submissions do not count toward it. Last evaluated 2026-01-25.

Conditions:
Autosomal recessive polycystic kidney disease (ARPKD). Also called: AR polycystic kidney disease. Identifiers: Orphanet 731, Orphanet 8378, MedGen C0085548, MeSH D017044, MONDO:0009889.
Inborn genetic diseases. Identifiers: MedGen C0950123, MeSH D030342.
PKHD1-related disorder. Also called: PKHD1-related condition.
Polycystic kidney disease 4 (PKD4). Also called: PKD3; POLYCYSTIC KIDNEY AND HEPATIC DISEASE 1; POLYCYSTIC KIDNEY DISEASE, INFANTILE, TYPE I; POLYCYSTIC KIDNEY DISEASE 4 WITH OR WITHOUT POLYCYSTIC LIVER DISEASE; Autosomal Recessive Polycystic Kidney Disease – PKHD1. Identifiers: MedGen C4540575, MONDO:0033004, OMIM 263200.

Allele frequency attached by ClinVar (database versions not stated): gnomAD 0.00006; ExAC 0.00008; TOPMed 0.00008; gnomAD exomes 0.00011.
gnomAD v4.1: 137 of 1,613,836 alleles (0.0085%); highest among the groups gnomAD compares: South Asian, 0.02%; 1 homozygote.

Submissions (6):

Labcorp Genetics (formerly Invitae), Labcorp
Classification: Likely benign for Autosomal recessive polycystic kidney disease. Last evaluated: 2026-01-25. Review status: criteria provided, single submitter. Criteria: Invitae Variant Classification Sherloc (09022015). Collection method: clinical testing. Allele origin: germline.

Fulgent Genetics
Classification: Likely benign for Polycystic kidney disease 4. Last evaluated: 2024-05-22. Review status: criteria provided, single submitter. Criteria: ACMG Guidelines, 2015. Collection method: clinical testing. Allele origin: germline.

Ambry Genetics
Classification: Uncertain significance for Inborn genetic diseases. Last evaluated: 2023-05-30. Review status: criteria provided, single submitter. Criteria: Ambry Variant Classification Scheme 2023. Collection method: clinical testing. Allele origin: germline.

Mayo Clinic Laboratories, Mayo Clinic
Classification: Uncertain significance. Last evaluated: 2022-10-06. Review status: criteria provided, single submitter. Criteria: ACMG Guidelines, 2015. Collection method: clinical testing. Allele origin: germline. Observed: 1 variant allele.
Comment: BP4, PM2

PreventionGenetics, part of Exact Sciences
Classification: Likely benign for PKHD1-related condition. Last evaluated: 2021-02-11. Review status: no assertion criteria provided. Collection method: clinical testing. Allele origin: germline. Not counted in ClinVar's aggregate classification.
Comment: This variant is classified as likely benign based on ACMG/AMP sequence variant interpretation guidelines (Richards et al. 2015 PMID: 25741868, with internal and published modifications).

Natera, Inc.
Classification: Uncertain significance for Autosomal recessive polycystic kidney disease. Last evaluated: 2018-05-20. Review status: no assertion criteria provided. Collection method: clinical testing. Allele origin: germline. Not counted in ClinVar's aggregate classification.

NM_138694.4(PKHD1):c.1816C>T (p.Arg606Trp)

Gene: PKHD1 (PKHD1 ciliary IPT domain containing fibrocystin/polyductin; minus strand). Cytogenetic location: 6p12.2.
Variant type: single nucleotide variant.
Coding change: c.1816C>T on transcript NM_138694.4 (MANE Select); coding-DNA position 1816, C replaced by T.
Protein change: p.Arg606Trp; replaces arginine 606 with tryptophan.
Molecular consequence: missense variant.
Genome position (GRCh38, 1-based): chr6:52,055,607, G>A on the plus strand (C>T on the coding strand, the complement: PKHD1 is on the minus strand). VCF-style: chr6-52055607-G-A. GRCh37 (hg19) VCF-style: chr6-51920405-G-A.
Other names: p.Arg606Trp; c.1816C>T, p.Arg606Trp (NM_170724.3); short protein forms R606W.
Identifiers: ClinVar variation 695490 (VCV000695490.17), dbSNP rs560133266, ClinGen allele CA3853438.